The following is an entry in ClinVar:

NM_001040108.2(MLH3):c.3643+4A>C

Gene: MLH3 (mutL homolog 3; minus strand). Cytogenetic location: 14q24.3.
Variant type: single nucleotide variant.
Coding change: c.3643+4A>C on transcript NM_001040108.2 (MANE Select); 4 bases into the intron after coding-DNA position 3643, A replaced by C.
Molecular consequence: intron variant.
Genome position (GRCh38, 1-based): chr14:75,038,336, T>G on the plus strand (A>C on the coding strand, the complement: MLH3 is on the minus strand). VCF-style: chr14-75038336-T-G. GRCh37 (hg19) VCF-style: chr14-75505039-T-G.
Other names: c.3643+4A>C (NM_014381.3).
Identifiers: ClinVar variation 649489 (VCV000649489.8), dbSNP rs373766646, ClinGen allele CA7275400.
Genomic context (GRCh38, chr14:75,038,336, plus strand): 5'-ATCATTAAAAAAAGGTTACAAGAAGACCAGCTGGTTAATCATTCAGGCTAAACTCCATTC[T>G]TACCTGCCTCGCCATTCTCTTCAGTCTTAGTGCTCATCAAACAGGCAATAAACTTGTTAT-3'

ClinVar aggregate classification (germline): Uncertain significance. Review status: criteria provided, multiple submitters, no conflicts (2 of 4 stars). 3 submissions from 3 submitters: Uncertain significance (3). Last evaluated 2025-12-29.

Conditions:
Colorectal cancer, hereditary nonpolyposis, type 7. Identifiers: Orphanet 144, MedGen C1858380, MONDO:0013725, OMIM 614385.

Allele frequency attached by ClinVar (database versions not stated): gnomAD 0.00001; TOPMed 0.00001; ExAC 0.00002; gnomAD exomes 0.00002; ESP Exome Variant Server 0.00015.
gnomAD v4.1: 49 of 1,610,938 alleles (0.003%); highest among the groups gnomAD compares: Middle Eastern, 0.016%; no homozygotes.

Submissions (3):

Center for Genomic Medicine, Rigshospitalet, Copenhagen University Hospital
Classification: Uncertain significance. Last evaluated: 2025-12-29. Review status: criteria provided, single submitter. Criteria: ACMG Guidelines, 2015. Collection method: clinical testing. Allele origin: germline.

Labcorp Genetics (formerly Invitae), Labcorp
Classification: Uncertain significance for Colorectal cancer, hereditary nonpolyposis, type 7. Last evaluated: 2024-12-31. Review status: criteria provided, single submitter. Criteria: Invitae Variant Classification Sherloc (09022015). Collection method: clinical testing. Allele origin: germline.
Comment: This sequence change falls in intron 6 of the MLH3 gene. It does not directly change the encoded amino acid sequence of the MLH3 protein. It affects a nucleotide within the consensus splice site. This variant is present in population databases (rs373766646, gnomAD 0.004%). This variant has not been reported in the literature in individuals affected with MLH3-related conditions. ClinVar contains an entry for this variant (Variation ID: 649489). Variants that disrupt the consensus splice site are a relatively common cause of aberrant splicing (PMID: 17576681, 9536098). Algorithms developed to predict the effect of sequence changes on RNA splicing suggest that this variant may disrupt the consensus splice site. In summary, the available evidence is currently insufficient to determine the role of this variant in disease. Therefore, it has been classified as a Variant of Uncertain Significance.

Ambry Genetics
Classification: Uncertain significance. Last evaluated: 2023-11-22. Review status: criteria provided, single submitter. Criteria: Ambry Variant Classification Scheme 2023. Collection method: clinical testing. Allele origin: germline.
Comment: The c.3643+4A>C intronic variant results from an A to C substitution 4 nucleotides after coding exon 5 in the MLH3 gene. This nucleotide position is highly conserved in available vertebrate species. In silico splice site analysis predicts that this alteration may weaken the native splice donor site. The evidence for this gene-disease relationship is limited; therefore, the clinical significance of this alteration is unclear.

Literature cited by the submitters: PubMed 17576681 (cited by Labcorp Genetics (formerly Invitae), Labcorp); PubMed 9536098 (cited by Labcorp Genetics (formerly Invitae), Labcorp).